The following is an entry in ClinVar:

NM_006734.4(HIVEP2):c.2891C>A (p.Ser964Tyr)

Gene: HIVEP2 (HIVEP zinc finger 2; minus strand). Cytogenetic location: 6q24.2.
Variant type: single nucleotide variant.
Coding change: c.2891C>A on transcript NM_006734.4 (MANE Select); coding-DNA position 2891, C replaced by A.
Protein change: p.Ser964Tyr; replaces serine 964 with tyrosine.
Molecular consequence: missense variant.
Genome position (GRCh38, 1-based): chr6:142,771,848, G>T on the plus strand (C>A on the coding strand, the complement: HIVEP2 is on the minus strand). VCF-style: chr6-142771848-G-T. GRCh37 (hg19) VCF-style: chr6-143092985-G-T.
Other names: c.2891C>A, p.Ser964Tyr (NM_001438449.1, NM_001438450.1, NM_001438451.1); short protein forms S964Y.
Identifiers: ClinVar variation 5006975 (VCV005006975.2).
Genomic context (GRCh38, chr6:142,771,848, plus strand): 5'-TCAAAAGACATGGAGAAACTGGAGCTGTGGGACAAGTTGCTTTCTTGGCTGGGGCTGCGG[G>T]AGAGGCCTGTGCCTGTGGATTCAAAGCTGGACTCCCCTGAGGAGTGCTCCATATCTGCAA-3'
Protein context (NP_006725.3, residues 954-974): SSFESTGTGL[Ser964Tyr]RSPSQESNLS

ClinVar aggregate classification (germline): Uncertain significance (1 of 4 stars; one submission).

Conditions:
Intellectual developmental disorder, autosomal dominant 43. Also called: Intellectual disability, autosomal dominant 43. Identifiers: MedGen C4707429, MONDO:0014858, OMIM 616977.

Submission:

Juno Genomics, Hangzhou Juno Genomics, Inc
Classification: Uncertain significance for Intellectual developmental disorder, autosomal dominant 43. Review status: criteria provided, single submitter. Criteria: ACMG Guidelines, 2015. Collection method: clinical testing. Allele origin: germline.
Comment: Absent from controls (or at extremely low frequency if recessive) in Genome Aggregation Database.;Missense variant in a gene that has a low rate of benign missense variation.